The following is an entry in ClinVar:

NM_015480.3(NECTIN3):c.1401A>C (p.Pro467=)

Gene: NECTIN3 (nectin cell adhesion molecule 3; plus strand). Cytogenetic location: 3q13.13.
Variant type: single nucleotide variant.
Coding change: c.1401A>C on transcript NM_015480.3 (MANE Select); coding-DNA position 1401, A replaced by C.
Protein change: p.Pro467=; no amino-acid change (proline 467 retained).
Molecular consequence: synonymous variant. On other transcripts: 3 prime UTR variant (1), intron variant (1).
Genome position (GRCh38, 1-based): chr3:111,133,966, A>C. VCF-style: chr3-111133966-A-C. GRCh37 (hg19) VCF-style: chr3-110852813-A-C.
Other names: c.*274A>C (NM_001243286.2); c.1000+7631A>C (NM_001243288.2).
Identifiers: ClinVar variation 3390095 (VCV003390095.14).

ClinVar aggregate classification (germline): Likely benign (1 of 4 stars; one submission).

gnomAD v4.1: 1 of 1,613,576 alleles (0.000062%); highest among the groups gnomAD compares: Non-Finnish European, 0.000085%; no homozygotes.

Submission:

CeGaT Center for Human Genetics Tuebingen
Classification: Likely benign. Last evaluated: 2024-11-01. Review status: criteria provided, single submitter. Criteria: CeGaT Center For Human Genetics Tuebingen Variant Classification Criteria Version 2. Collection method: clinical testing. Allele origin: germline. Affected: yes. Observed: 1 variant allele.
Comment: NECTIN3: BP4, BP7